The following is an entry in ClinVar:

ClinVar aggregate classification (germline): Uncertain significance. Review status: criteria provided, multiple submitters, no conflicts (2 of 4 stars). 2 submissions from 2 submitters: Uncertain significance (2). Last evaluated 2025-11-03.

Conditions:
Ataxia-telangiectasia syndrome (AT). Also called: Ataxia-telangiectasia; AT, COMPLEMENTATION GROUP C; ATAXIA-TELANGIECTASIA, COMPLEMENTATION GROUP A; ATAXIA-TELANGIECTASIA, FRESNO VARIANT; Ataxia-telangiectasia, complementation group E; LOUIS-BAR SYNDROME. Identifiers: Orphanet 100, MedGen C0004135, MONDO:0008840, OMIM 208900.
Hereditary cancer-predisposing syndrome. Also called: Tumor predisposition; Hereditary Cancer Syndrome; Neoplastic Syndromes, Hereditary; Hereditary neoplastic syndrome. Identifiers: Orphanet 140162, MedGen C0027672, MeSH D009386, MONDO:0015356.

Submissions (2):

Labcorp Genetics (formerly Invitae), Labcorp
Classification: Uncertain significance for Ataxia-telangiectasia syndrome. Last evaluated: 2025-11-03. Review status: criteria provided, single submitter. Criteria: Invitae Variant Classification Sherloc (09022015). Collection method: clinical testing. Allele origin: germline.
Comment: This sequence change replaces serine, which is neutral and polar, with phenylalanine, which is neutral and non-polar, at codon 1250 of the ATM protein (p.Ser1250Phe). This variant is not present in population databases (gnomAD no frequency). This variant has not been reported in the literature in individuals affected with ATM-related conditions. ClinVar contains an entry for this variant (Variation ID: 2120189). An algorithm developed to predict the effect of missense changes on protein structure and function (PolyPhen-2) suggests that this variant is likely to be tolerated. In summary, the available evidence is currently insufficient to determine the role of this variant in disease. Therefore, it has been classified as a Variant of Uncertain Significance.

Ambry Genetics
Classification: Uncertain significance for Hereditary cancer-predisposing syndrome. Last evaluated: 2025-07-25. Review status: criteria provided, single submitter. Criteria: Ambry Variant Classification Scheme 2023. Collection method: clinical testing. Allele origin: germline.
Comment: The p.S1250F variant (also known as c.3749C>T), located in coding exon 25 of the ATM gene, results from a C to T substitution at nucleotide position 3749. The serine at codon 1250 is replaced by phenylalanine, an amino acid with highly dissimilar properties. This amino acid position is conserved. In addition, this alteration is predicted to be deleterious by in silico analysis. Based on the available evidence, the clinical significance of this variant remains unclear.

NM_000051.4(ATM):c.3749C>T (p.Ser1250Phe)

Gene: ATM (ATM serine/threonine kinase; plus strand). Cytogenetic location: 11q22.3.
Variant type: single nucleotide variant.
Coding change: c.3749C>T on transcript NM_000051.4 (MANE Select); coding-DNA position 3749, C replaced by T.
Protein change: p.Ser1250Phe; replaces serine 1250 with phenylalanine.
Molecular consequence: missense variant.
Genome position (GRCh38, 1-based): chr11:108,284,229, C>T. VCF-style: chr11-108284229-C-T. GRCh37 (hg19) VCF-style: chr11-108154956-C-T.
Other names: c.3749C>T, p.Ser1250Phe (NM_001351834.2); short protein forms S1250F.
Identifiers: ClinVar variation 2120189 (VCV002120189.5), dbSNP rs1555093273, ClinGen allele CA382524197.
Genomic context (GRCh38, chr11:108,284,229, plus strand): 5'-TAAAATTTTACTTGGAAAAGTTATATATAACCTGTATTTTAAATTTTTCTATTTTTAGAT[C>T]TTGTTATAAGGTTTTGATTCCACATCTGGTGATTAGAAGTCATTTTGATGAGGTGAAGTC-3'
Protein context (NP_000042.3, residues 1240-1260): NYTNIEDFYR[Ser1250Phe]CYKVLIPHLV